The following is an entry in ClinVar:

NC_000022.11:g.40345573T>C

Gene: ADSL (adenylosuccinate lyase; plus strand). Cytogenetic location: 22q13.1.
Variant type: single nucleotide variant.
Genome position: GRCh38 VCF-style: chr22-40345573-T-C. GRCh37 (hg19) VCF-style: chr22-40741577-T-C.
Identifiers: ClinVar variation 1904938 (VCV001904938.3), dbSNP rs1224954877, ClinGen allele CA1025766735.

ClinVar aggregate classification (germline): Uncertain significance (1 of 4 stars; one submission).

Conditions:
Adenylosuccinate lyase deficiency (ADSLD). Also called: ADSL DEFICIENCY. Identifiers: Orphanet 46, MedGen C0268126, MONDO:0007068, OMIM 103050.

Allele frequency attached by ClinVar (database versions not stated): TOPMed below 0.00001; gnomAD 0.00002.

Submission:

Labcorp Genetics (formerly Invitae), Labcorp
Classification: Uncertain significance for Adenylosuccinate lyase deficiency. Last evaluated: 2022-01-13. Review status: criteria provided, single submitter. Criteria: Invitae Variant Classification Sherloc (09022015). Collection method: clinical testing. Allele origin: germline.
Comment: This variant occurs in a non-coding region of the ADSL gene. It does not change the encoded amino acid sequence of the ADSL protein. The frequency data for this variant in the population databases is considered unreliable, as metrics indicate insufficient coverage at this position in the gnomAD database. This variant has not been reported in the literature in individuals affected with ADSL-related conditions. Experimental studies and prediction algorithms are not available or were not evaluated, and the functional significance of this variant is currently unknown. In summary, the available evidence is currently insufficient to determine the role of this variant in disease. Therefore, it has been classified as a Variant of Uncertain Significance.